The following is an entry in ClinVar:

ClinVar aggregate classification (germline): Pathogenic (1 of 4 stars; one submission).

Conditions:
Hereditary angioedema type 1 (HAE1). Identifiers: Orphanet 100050, Orphanet 100051, Orphanet 91378, MedGen C2717906, MONDO:0015053, OMIM 106100.

Submission:

DNA-diagnostics Laboratory, Research Centre For Medical Genetics
Classification: Pathogenic for Hereditary angioedema type 1. Last evaluated: 2024-06-01. Review status: criteria provided, single submitter. Criteria: ACMG Guidelines, 2015. Collection method: research. Allele origin: germline. Inheritance: Autosomal dominant inheritance. Affected: yes. Observed: 4 variant alleles, 4 heterozygotes.
Comment: The c.1249+2T>G variant in SERPING1 meets ACMG/ClinGen SVI guidance criteria to be classified as pathogenic: PVS1_Str, PP4_Str, PS1_Mod, PS4_Mod, PM2_Sup

NM_000062.3(SERPING1):c.1249+2T>G

Gene: SERPING1 (serpin family G member 1; plus strand). Cytogenetic location: 11q12.1.
Variant type: single nucleotide variant.
Coding change: c.1249+2T>G on transcript NM_000062.3 (MANE Select); the canonical splice donor site of the intron after coding-DNA position 1249, T replaced by G.
Molecular consequence: splice donor variant.
Genome position (GRCh38, 1-based): chr11:57,611,938, T>G. VCF-style: chr11-57611938-T-G. GRCh37 (hg19) VCF-style: chr11-57379411-T-G.
Other names: c.1249+2T>G (NM_001032295.2).
Identifiers: ClinVar variation 3242424 (VCV003242424.3), dbSNP rs2135324885.